The following is an entry in ClinVar:

ClinVar aggregate classification (germline): Uncertain significance (1 of 4 stars; one submission).

Allele frequency attached by ClinVar (database versions not stated): TOPMed below 0.00001.

Submission:

Labcorp Genetics (formerly Invitae), Labcorp
Classification: Uncertain significance. Last evaluated: 2023-06-13. Review status: criteria provided, single submitter. Criteria: Invitae Variant Classification Sherloc (09022015). Collection method: clinical testing. Allele origin: germline.
Comment: In summary, the available evidence is currently insufficient to determine the role of this variant in disease. Therefore, it has been classified as a Variant of Uncertain Significance. An algorithm developed to predict the effect of missense changes on protein structure and function (PolyPhen-2) suggests that this variant is likely to be disruptive. This variant has not been reported in the literature in individuals affected with TCF20-related conditions. This variant is not present in population databases (gnomAD no frequency). This sequence change replaces phenylalanine, which is neutral and non-polar, with leucine, which is neutral and non-polar, at codon 139 of the TCF20 protein (p.Phe139Leu).

NM_001378418.1(TCF20):c.415T>C (p.Phe139Leu)

Gene: TCF20 (transcription factor 20; minus strand). Cytogenetic location: 22q13.2.
Variant type: single nucleotide variant.
Coding change: c.415T>C on transcript NM_001378418.1 (MANE Select); coding-DNA position 415, T replaced by C.
Protein change: p.Phe139Leu; replaces phenylalanine 139 with leucine.
Molecular consequence: missense variant.
Genome position (GRCh38, 1-based): chr22:42,214,891, A>G on the plus strand (T>C on the coding strand, the complement: TCF20 is on the minus strand). VCF-style: chr22-42214891-A-G. GRCh37 (hg19) VCF-style: chr22-42610897-A-G.
Other names: c.415T>C, p.Phe139Leu (NM_005650.4, NM_181492.3); short protein forms F139L.
Identifiers: ClinVar variation 2866234 (VCV002866234.3), dbSNP rs1921541794, ClinGen allele CA411793061.
Genomic context (GRCh38, chr22:42,214,891, plus strand): 5'-GCCCAGTGTAATCCTGCTGATAATGTGACACACCGCCAAGGCCAGAGTGCTGTGCTTGAA[A>G]CTGGCCCACATGACCCTCACTCCCATACTGATTGCCAAAGCTGCTCCCCTGGGGGGGTCC-3'
Protein context (NP_001365347.1, residues 129-149): QYGSEGHVGQ[Phe139Leu]QAQHSGLGGV